The following is an entry in ClinVar:

ClinVar aggregate classification (germline): Uncertain significance. Review status: criteria provided, multiple submitters, no conflicts (2 of 4 stars). 2 submissions from 2 submitters: Uncertain significance (2). Last evaluated 2026-07-07.

Conditions:
Hereditary cancer-predisposing syndrome. Also called: Neoplastic Syndromes, Hereditary; Hereditary Cancer Syndrome; Hereditary neoplastic syndrome; Tumor predisposition. Identifiers: Orphanet 140162, MedGen C0027672, MeSH D009386, MONDO:0015356.
Oligodontia-cancer predisposition syndrome. Also called: TOOTH AGENESIS-COLORECTAL CANCER SYNDROME. Identifiers: Orphanet 300576, MedGen C1837750, MONDO:0012075, OMIM 608615. Disease mechanism: loss of function.

Submissions (2):

Ambry Genetics
Classification: Uncertain significance for Hereditary cancer-predisposing syndrome. Last evaluated: 2026-07-07. Review status: criteria provided, single submitter. Criteria: Ambry Variant Classification Scheme 2023. Collection method: clinical testing. Allele origin: germline.
Comment: The p.D90E variant (also known as c.270C>G), located in coding exon 1 of the AXIN2 gene, results from a C to G substitution at nucleotide position 270. The aspartic acid at codon 90 is replaced by glutamic acid, an amino acid with highly similar properties. This amino acid position is conserved. In addition, this alteration is predicted to be tolerated by in silico analysis. Based on the available evidence, the clinical significance of this variant remains unclear.

Labcorp Genetics (formerly Invitae), Labcorp
Classification: Uncertain significance for Oligodontia-cancer predisposition syndrome. Last evaluated: 2025-01-08. Review status: criteria provided, single submitter. Criteria: Invitae Variant Classification Sherloc (09022015). Collection method: clinical testing. Allele origin: germline.
Comment: This sequence change replaces aspartic acid, which is acidic and polar, with glutamic acid, which is acidic and polar, at codon 90 of the AXIN2 protein (p.Asp90Glu). This variant is present in population databases (no rsID available, gnomAD 0.01%). This variant has not been reported in the literature in individuals affected with AXIN2-related conditions. ClinVar contains an entry for this variant (Variation ID: 659422). Invitae Evidence Modeling of protein sequence and biophysical properties (such as structural, functional, and spatial information, amino acid conservation, physicochemical variation, residue mobility, and thermodynamic stability) indicates that this missense variant is not expected to disrupt AXIN2 protein function with a negative predictive value of 80%. In summary, the available evidence is currently insufficient to determine the role of this variant in disease. Therefore, it has been classified as a Variant of Uncertain Significance.

NM_004655.4(AXIN2):c.270C>G (p.Asp90Glu)

Gene: AXIN2 (axin 2; minus strand). Cytogenetic location: 17q24.1.
Variant type: single nucleotide variant.
Coding change: c.270C>G on transcript NM_004655.4 (MANE Select); coding-DNA position 270, C replaced by G.
Protein change: p.Asp90Glu; replaces aspartic acid 90 with glutamic acid.
Molecular consequence: missense variant.
Genome position (GRCh38, 1-based): chr17:65,558,351, G>C on the plus strand (C>G on the coding strand, the complement: AXIN2 is on the minus strand). VCF-style: chr17-65558351-G-C. GRCh37 (hg19) VCF-style: chr17-63554469-G-C.
Other names: c.270C>G (LRG_296t1); c.270C>G, p.Asp90Glu (NM_001363813.1); short protein forms D90E.
Identifiers: ClinVar variation 659422 (VCV000659422.9), dbSNP rs141655687, ClinGen allele CA293107234.